The following is an entry in ClinVar:

NM_023067.4(FOXL2):c.256G>C (p.Ala86Pro)

Gene: FOXL2 (forkhead box L2; minus strand). Cytogenetic location: 3q22.3.
Variant type: single nucleotide variant.
Coding change: c.256G>C on transcript NM_023067.4 (MANE Select); coding-DNA position 256, G replaced by C.
Protein change: p.Ala86Pro; replaces alanine 86 with proline.
Molecular consequence: missense variant.
Genome position (GRCh38, 1-based): chr3:138,946,467, C>G on the plus strand (G>C on the coding strand, the complement: FOXL2 is on the minus strand). VCF-style: chr3-138946467-C-G. GRCh37 (hg19) VCF-style: chr3-138665309-C-G.
Other names: short protein forms A86P.
Identifiers: ClinVar variation 369896 (VCV000369896.1), dbSNP rs1057516148, ClinGen allele CA10654898.

ClinVar aggregate classification (germline): Uncertain significance (1 of 4 stars; one submission).

Conditions:
Blepharophimosis, ptosis, and epicanthus inversus syndrome. Identifiers: Orphanet 126, MedGen C0220663, MONDO:0007201, OMIM 110100.

Submission:

Genomic Diagnostic Laboratory, Division of Genomic Diagnostics, Children's Hospital of Philadelphia
Classification: Uncertain significance for Blepharophimosis, ptosis, and epicanthus inversus syndrome. Last evaluated: 2016-11-03. Review status: criteria provided, single submitter. Criteria: DGD Variant Analysis Guidelines. Collection method: clinical testing. Allele origin: germline. Affected: yes. Observed: 1 variant allele.
Comment: Clinical Testing